The following is an entry in ClinVar:

NM_006206.6(PDGFRA):c.162A>C (p.Glu54Asp)

Gene: PDGFRA (platelet derived growth factor receptor alpha; plus strand). Cytogenetic location: 4q12.
Variant type: single nucleotide variant.
Coding change: c.162A>C on transcript NM_006206.6 (MANE Select); coding-DNA position 162, A replaced by C.
Protein change: p.Glu54Asp; replaces glutamic acid 54 with aspartic acid.
Molecular consequence: missense variant.
Genome position (GRCh38, 1-based): chr4:54,261,207, A>C. VCF-style: chr4-54261207-A-C. GRCh37 (hg19) VCF-style: chr4-55127374-A-C.
Other names: c.162A>C, p.Glu54Asp (NM_001347827.2, NM_001347829.2); c.237A>C, p.Glu79Asp (NM_001347828.2); c.201A>C, p.Glu67Asp (NM_001347830.2); short protein forms E79D, E54D, E67D.
Identifiers: ClinVar variation 4714927 (VCV004714927.1).

ClinVar aggregate classification (germline): Uncertain significance (1 of 4 stars; one submission).

Conditions:
Gastrointestinal stromal tumor. Also called: Gastrointestinal stromal tumor, somatic; Gastrointestinal stroma tumor. Identifiers: Orphanet 44890, MedGen C0238198, MeSH D046152, MONDO:0011719, OMIM 606764, HP:0100723.

Submission:

Labcorp Genetics (formerly Invitae), Labcorp
Classification: Uncertain significance for Gastrointestinal stromal tumor. Last evaluated: 2025-10-23. Review status: criteria provided, single submitter. Criteria: Invitae Variant Classification Sherloc (09022015). Collection method: clinical testing. Allele origin: germline.
Comment: This sequence change replaces glutamic acid, which is acidic and polar, with aspartic acid, which is acidic and polar, at codon 54 of the PDGFRA protein (p.Glu54Asp). This variant is not present in population databases (gnomAD no frequency). This variant has not been reported in the literature in individuals affected with PDGFRA-related conditions. Invitae Evidence Modeling of protein sequence and biophysical properties (such as structural, functional, and spatial information, amino acid conservation, physicochemical variation, residue mobility, and thermodynamic stability) indicates that this missense variant is not expected to disrupt PDGFRA protein function with a negative predictive value of 80%. In summary, the available evidence is currently insufficient to determine the role of this variant in disease. Therefore, it has been classified as a Variant of Uncertain Significance.